The following is an entry in ClinVar:

NC_012920.1(MT-RNR1):m.869C>T

Gene: MT-RNR1 (mitochondrially encoded 12S RNA; plus strand).
Variant type: single nucleotide variant.
Genome position: chrM-869-C-T.
Identifiers: ClinVar variation 235207 (VCV000235207.3), dbSNP rs386828880, ClinGen allele CA10581244.

ClinVar aggregate classification (germline): Likely benign (1 of 4 stars; one submission).

Submission:

Center for Pediatric Genomic Medicine, Children's Mercy Hospital and Clinics
Classification: Likely benign. Last evaluated: 2016-05-10. Review status: criteria provided, single submitter. Criteria: ACMG Guidelines, 2015. Collection method: clinical testing. Allele origin: germline.
ClinVar note: Converted during submission from Likely Benign to Likely benign.